The following is an entry in ClinVar:

ClinVar aggregate classification (germline): Uncertain significance. Review status: criteria provided, multiple submitters, no conflicts (2 of 4 stars). 2 submissions from 2 submitters: Uncertain significance (2). Last evaluated 2023-04-24.

Conditions:
ALDH18A1-related de Barsy syndrome. Also called: DE BARSY SYNDROME A; Cutis laxa, autosomal recessive IIIA. Identifiers: Orphanet 2962, Orphanet 35664, MedGen C5234852, MONDO:0009053, OMIM 219150.
Autosomal dominant spastic paraplegia type 9. Identifiers: MedGen C1832669, MONDO:0015091.
Cutis laxa, autosomal dominant 3 (ADCL3). Identifiers: Orphanet 90348, MedGen C4225268, MONDO:0014706, OMIM 616603.
de Barsy syndrome. Also called: Cutis laxa-corneal clouding-oligophrenia syndrome. Identifiers: Orphanet 2962, MedGen C0268354, MONDO:0017569.

Submissions (2):

Labcorp Genetics (formerly Invitae), Labcorp
Classification: Uncertain significance for Autosomal dominant spastic paraplegia type 9; de Barsy syndrome; Cutis laxa, autosomal dominant 3. Last evaluated: 2023-04-24. Review status: criteria provided, single submitter. Criteria: Invitae Variant Classification Sherloc (09022015). Collection method: clinical testing. Allele origin: germline.
Comment: In summary, the available evidence is currently insufficient to determine the role of this variant in disease. Therefore, it has been classified as a Variant of Uncertain Significance. Advanced modeling of protein sequence and biophysical properties (such as structural, functional, and spatial information, amino acid conservation, physicochemical variation, residue mobility, and thermodynamic stability) performed at Invitae indicates that this missense variant is not expected to disrupt ALDH18A1 protein function. ClinVar contains an entry for this variant (Variation ID: 878042). This variant has not been reported in the literature in individuals affected with ALDH18A1-related conditions. This variant is not present in population databases (gnomAD no frequency). This sequence change replaces glutamine, which is neutral and polar, with arginine, which is basic and polar, at codon 712 of the ALDH18A1 protein (p.Gln712Arg).

Illumina Laboratory Services, Illumina
Classification: Uncertain significance for ALDH18A1-related de Barsy syndrome. Last evaluated: 2018-01-12. Review status: criteria provided, single submitter. Criteria: ICSL Variant Classification Criteria 13 December 2019. Collection method: clinical testing. Allele origin: germline.

NM_002860.4(ALDH18A1):c.2135A>G (p.Gln712Arg)

Gene: ALDH18A1 (aldehyde dehydrogenase 18 family member A1; minus strand). Cytogenetic location: 10q24.1.
Variant type: single nucleotide variant.
Coding change: c.2135A>G on transcript NM_002860.4 (MANE Select); coding-DNA position 2135, A replaced by G.
Protein change: p.Gln712Arg; replaces glutamine 712 with arginine.
Molecular consequence: missense variant.
Genome position (GRCh38, 1-based): chr10:95,610,268, T>C on the plus strand (A>G on the coding strand, the complement: ALDH18A1 is on the minus strand). VCF-style: chr10-95610268-T-C. GRCh37 (hg19) VCF-style: chr10-97370025-T-C.
Other names: c.2129A>G, p.Gln710Arg (NM_001017423.2, NM_001323415.2); c.1802A>G, p.Gln601Arg (NM_001323412.2, NM_001323416.2); c.2135A>G, p.Gln712Arg (NM_001323413.2, NM_001323414.2); c.2030A>G, p.Gln677Arg (NM_001323417.2); c.1796A>G, p.Gln599Arg (NM_001323418.2); c.1499A>G, p.Gln500Arg (NM_001323419.2); short protein forms Q677R, Q500R, Q599R, Q601R, Q710R, Q712R.
Identifiers: ClinVar variation 878042 (VCV000878042.7), dbSNP rs2097831329, ClinGen allele CA377699712.